The following is an entry in ClinVar:

ClinVar aggregate classification (germline): Benign. Review status: criteria provided, multiple submitters, no conflicts (2 of 4 stars). 7 submissions from 7 submitters: Benign (7). Last evaluated 2026-01-28.

Conditions:
Nail-patella syndrome (NPS). Also called: FONG DISEASE; ONYCHOOSTEODYSPLASIA; TURNER-KIESER SYNDROME. Identifiers: Orphanet 2614, MedGen C0027341, MONDO:0008061, OMIM 161200.
Focal segmental glomerulosclerosis (FSGS). Also called: Glomerulosclerosis, focal; Focal sclerosis with hyalinosis. Identifiers: MedGen C0017668, MONDO:0100313, HP:0000097. Disease mechanism: loss of function.

Allele frequency attached by ClinVar (database versions not stated): gnomAD exomes 0.00152 and 0.00407; ExAC 0.00516; 1000 Genomes Project 0.01558; 1000 Genomes Project 30x 0.01562; gnomAD 0.01570 and 0.01716; TOPMed 0.01807; ESP Exome Variant Server 0.02038.
gnomAD v4.1: 4,680 of 1,613,184 alleles (0.29%); highest among the groups gnomAD compares: African/African-American, 5.6%; 127 homozygotes.

Submissions (7):

Labcorp Genetics (formerly Invitae), Labcorp
Classification: Benign. Last evaluated: 2026-01-28. Review status: criteria provided, single submitter. Criteria: Invitae Variant Classification Sherloc (09022015). Collection method: clinical testing. Allele origin: germline.

Mayo Clinic Laboratories, Mayo Clinic
Classification: Benign. Last evaluated: 2023-03-26. Review status: criteria provided, single submitter. Criteria: ACMG Guidelines, 2015. Collection method: clinical testing. Allele origin: germline. Observed: 7 variant alleles.

Genome Diagnostics Laboratory, The Hospital for Sick Children
Classification: Benign for Focal segmental glomerulosclerosis. Last evaluated: 2021-09-08. Review status: criteria provided, single submitter. Criteria: ACMG Guidelines, 2015. Collection method: clinical testing. Allele origin: germline.

GeneDx
Classification: Benign. Last evaluated: 2018-11-08. Review status: criteria provided, single submitter. Criteria: GeneDx Variant Classification Process June 2021. Collection method: clinical testing. Allele origin: germline. Affected: yes.

Illumina Laboratory Services, Illumina
Classification: Benign for Nail-patella syndrome. Last evaluated: 2018-01-12. Review status: criteria provided, single submitter. Criteria: ICSL Variant Classification Criteria 13 December 2019. Collection method: clinical testing. Allele origin: germline.
Comment: This variant was observed in the ICSL laboratory as part of a predisposition screen in an ostensibly healthy population. It had not been previously curated by ICSL or reported in the Human Gene Mutation Database (HGMD: prior to June 1st, 2018), and was therefore a candidate for classification through an automated scoring system. Utilizing variant allele frequency, disease prevalence and penetrance estimates, and inheritance mode, an automated score was calculated to assess if this variant is too frequent to cause the disease. Based on the score and internal cut-off values, a variant classified as benign is not then subjected to further curation. The score for this variant resulted in a classification of benign for this disease.

Breakthrough Genomics
Classification: Benign. Review status: criteria provided, single submitter. Criteria: ACMG Guidelines, 2015. Collection method: not provided. Allele origin: germline. Inheritance: Autosomal dominant inheritance. Affected: yes.

PreventionGenetics, part of Exact Sciences
Classification: Benign. Review status: criteria provided, single submitter. Criteria: ACMG Guidelines, 2015. Collection method: clinical testing. Allele origin: germline.

NM_001174147.2(LMX1B):c.930G>A (p.Thr310=)

Gene: LMX1B (LIM homeobox transcription factor 1 beta; plus strand). Cytogenetic location: 9q33.3.
Variant type: single nucleotide variant.
Coding change: c.930G>A on transcript NM_001174147.2 (MANE Select); coding-DNA position 930, G replaced by A.
Protein change: p.Thr310=; no amino-acid change (threonine 310 retained).
Molecular consequence: synonymous variant.
Genome position (GRCh38, 1-based): chr9:126,695,882, G>A. VCF-style: chr9-126695882-G-A. GRCh37 (hg19) VCF-style: chr9-129458161-G-A.
Other names: p.Thr310=; c.963G>A, p.Thr321= (NM_001174146.2); c.930G>A, p.Thr310= (NM_002316.4).
Identifiers: ClinVar variation 258631 (VCV000258631.21), dbSNP rs112171815, ClinGen allele CA5242486.